The following is an entry in ClinVar:

NM_006445.4(PRPF8):c.61C>A (p.Leu21Ile)

Gene: PRPF8 (pre-mRNA processing factor 8; minus strand). Cytogenetic location: 17p13.3.
Variant type: single nucleotide variant.
Coding change: c.61C>A on transcript NM_006445.4 (MANE Select); coding-DNA position 61, C replaced by A.
Protein change: p.Leu21Ile; replaces leucine 21 with isoleucine.
Molecular consequence: missense variant.
Genome position (GRCh38, 1-based): chr17:1,684,511, G>T on the plus strand (C>A on the coding strand, the complement: PRPF8 is on the minus strand). VCF-style: chr17-1684511-G-T. GRCh37 (hg19) VCF-style: chr17-1587805-G-T.
Other names: short protein forms L21I.
Identifiers: ClinVar variation 3776204 (VCV003776204.1).

ClinVar aggregate classification (germline): Uncertain significance (1 of 4 stars; one submission).

Conditions:
Retinitis pigmentosa 13 (RP13). Also called: PRPF 8-Related Retinitis Pigmentosa. Identifiers: Orphanet 791, MedGen C1838702, MONDO:0010806, OMIM 600059.

Submission:

3billion
Classification: Uncertain significance for Retinitis pigmentosa 13. Last evaluated: 2023-06-21. Review status: criteria provided, single submitter. Criteria: ACMG Guidelines, 2015. Collection method: clinical testing. Allele origin: germline. Affected: yes.
Comment: The variant is not observed in the gnomAD v2.1.1 dataset. Predicted Consequence/Location: Missense changes are a common disease-causing mechanism. Therefore, this variant is classified as VUS according to the recommendation of ACMG/AMP guideline.